The following is an entry in ClinVar:

NM_006031.6(PCNT):c.6869A>G (p.Gln2290Arg)

Gene: PCNT (pericentrin; plus strand). Cytogenetic location: 21q22.3.
Variant type: single nucleotide variant.
Coding change: c.6869A>G on transcript NM_006031.6 (MANE Select); coding-DNA position 6869, A replaced by G.
Protein change: p.Gln2290Arg; replaces glutamine 2290 with arginine.
Molecular consequence: missense variant.
Genome position (GRCh38, 1-based): chr21:46,416,787, A>G. VCF-style: chr21-46416787-A-G. GRCh37 (hg19) VCF-style: chr21-47836701-A-G.
Other names: c.6515A>G, p.Gln2172Arg (NM_001315529.2); short protein forms Q2172R, Q2290R.
Identifiers: ClinVar variation 3355685 (VCV003355685.2).

ClinVar aggregate classification (germline): Uncertain significance. Review status: criteria provided, single submitter (1 of 4 stars). 2 submissions from 2 submitters: Uncertain significance (1). 1 of the submissions does not count toward it. Last evaluated 2025-06-23.

Conditions:
PCNT-related disorder. Also called: PCNT-related condition.
Inborn genetic diseases. Identifiers: MedGen C0950123, MeSH D030342.

gnomAD v4.1: 15 of 1,601,762 alleles (0.00094%); highest among the groups gnomAD compares: Non-Finnish European, 0.000085%; no homozygotes.

Submissions (2):

Ambry Genetics
Classification: Uncertain significance for Inborn genetic diseases. Last evaluated: 2025-06-23. Review status: criteria provided, single submitter. Criteria: Ambry Variant Classification Scheme 2023. Collection method: clinical testing. Allele origin: germline.

PreventionGenetics, part of Exact Sciences
Classification: Uncertain significance for PCNT-related condition. Last evaluated: 2024-04-30. Review status: no assertion criteria provided. Collection method: clinical testing. Allele origin: germline. Not counted in ClinVar's aggregate classification.
Comment: The PCNT c.6869A>G variant is predicted to result in the amino acid substitution p.Gln2290Arg. To our knowledge, this variant has not been reported in the literature. This variant is reported in 0.051% of alleles in individuals of Ashkenazi Jewish descent in gnomAD, which may be too common to be a primary cause of disease. Although we suspect that this variant may be benign, at this time, the clinical significance of this variant is uncertain due to the absence of conclusive functional and genetic evidence.